The following is an entry in ClinVar:

NM_018179.5(ATF7IP):c.538_567del (p.Pro180_Ala189del)

Gene: ATF7IP (activating transcription factor 7 interacting protein; plus strand). Cytogenetic location: 12p13.1.
Variant type: Deletion.
Coding change: c.538_567del on transcript NM_018179.5 (MANE Select); coding-DNA positions 538 to 567, 30 bases deleted (CCTTCTGGTGATGTGTCCCCTGGTGATGCC).
Protein change: p.Pro180_Ala189del.
Molecular consequence: inframe deletion. On other transcripts: non-coding transcript variant (1).
Genome position (GRCh38, 1-based): chr12:14,424,453-14,424,482, CCTTCTGGTGATGTGTCCCCTGGTGATGCC deleted; deleting any 30 consecutive bases within chr12:14,424,442-14,424,482 gives the same sequence; the c. name uses the placement nearest the transcript's 3' end. VCF-style (leftmost placement, unchanged base first): chr12-14424441-TCTGGTGATGCCCCTTCTGGTGATGTGTCCC-T. GRCh37 (hg19) VCF-style: chr12-14577375-TCTGGTGATGCCCCTTCTGGTGATGTGTCCC-T.
Other names: c.538_567del, p.Pro180_Ala189del (NM_001286514.2, NM_001286515.2, NM_001388180.1 and 4 more transcripts); c.562_591del, p.Pro188_Ala197del (NM_001388179.1, NM_181352.2).
Identifiers: ClinVar variation 3025287 (VCV003025287.22), dbSNP rs564557542, ClinGen allele CA6461585.
Genomic context (GRCh38, chr12:14,424,441, plus strand): 5'-TCTGGTGATCCCACCTCTAGCGAGCCCTCCTCTAGTGATGCTGCCTCTGGTGATGCAACC[TCTGGTGATGCCCCTTCTGGTGATGTGTCCC>T]CTGGTGATGCCACCTCTGGTGATGCCACTGCTGATGATCTCTCCTCTGGTGATCCCACCT-3'

ClinVar aggregate classification (germline): Likely benign (1 of 4 stars; one submission).

Submission:

CeGaT Center for Human Genetics Tuebingen
Classification: Likely benign. Last evaluated: 2023-12-01. Review status: criteria provided, single submitter. Criteria: CeGaT Center For Human Genetics Tuebingen Variant Classification Criteria Version 2. Collection method: clinical testing. Allele origin: germline. Affected: yes. Observed: 1 variant allele.
Comment: ATF7IP: PM4, BS2